The following is an entry in ClinVar:

ClinVar aggregate classification (germline): Likely benign. Review status: criteria provided, multiple submitters, no conflicts (2 of 4 stars). 4 submissions from 4 submitters: Likely benign (4). Last evaluated 2025-07-21.

Conditions:
TANGO2-related disorder. Also called: TANGO2-related condition.

Allele frequency attached by ClinVar (database versions not stated): ExAC 0.00001; ESP Exome Variant Server 0.00008.
gnomAD v4.1: 1 of 1,614,242 alleles (0.000062%); highest among the groups gnomAD compares: South Asian, 0.0011%; no homozygotes.

Submissions (4):

PreventionGenetics, part of Exact Sciences
Classification: Likely benign for TANGO2-related condition. Last evaluated: 2025-07-21. Review status: criteria provided, single submitter. Criteria: ACMG Guidelines, 2015. Collection method: clinical testing. Allele origin: germline.
Comment: This variant is classified as likely benign based on ACMG/AMP sequence variant interpretation guidelines (Richards et al. 2015 PMID: 25741868, with internal and published modifications).

Mayo Clinic Laboratories, Mayo Clinic
Classification: Likely benign. Last evaluated: 2024-10-22. Review status: criteria provided, single submitter. Criteria: ACMG Guidelines, 2015. Collection method: clinical testing. Allele origin: germline. Observed: 1 variant allele.
Comment: BP4, BP7

Blueprint Genetics
Classification: Likely benign. Last evaluated: 2024-05-02. Review status: criteria provided, single submitter. Criteria: ACMG Guidelines, 2015. Collection method: clinical testing. Allele origin: germline.

Labcorp Genetics (formerly Invitae), Labcorp
Classification: Likely benign. Last evaluated: 2023-05-14. Review status: criteria provided, single submitter. Criteria: Invitae Variant Classification Sherloc (09022015). Collection method: clinical testing. Allele origin: germline.

NM_152906.7(TANGO2):c.18T>C (p.Phe6=)

Gene: TANGO2 (transport and golgi organization 2 homolog; plus strand). Cytogenetic location: 22q11.21.
Variant type: single nucleotide variant.
Coding change: c.18T>C on transcript NM_152906.7 (MANE Select); coding-DNA position 18, T replaced by C.
Protein change: p.Phe6=; no amino-acid change (phenylalanine 6 retained).
Molecular consequence: synonymous variant. On other transcripts: 5 prime UTR variant (20), non-coding transcript variant (5).
Genome position (GRCh38, 1-based): chr22:20,036,816, T>C. VCF-style: chr22-20036816-T-C. GRCh37 (hg19) VCF-style: chr22-20024339-T-C.
Other names: p.Phe6=; c.18T>C (NM_152906.6); c.18T>C, p.Phe6= (NM_001283106.3, NM_001283116.3, NM_001283148.3 and 10 more transcripts); c.-100T>C (NM_001283129.3, NM_001283215.3, NM_001322141.2 and 5 more transcripts); c.-162T>C (NM_001283235.3, NM_001322146.2, NM_001322153.2 and 5 more transcripts); c.-402T>C (NM_001322148.2, NM_001322150.2, NM_001322172.2 and 1 more transcripts).
Identifiers: ClinVar variation 1658381 (VCV001658381.11), dbSNP rs374345570, ClinGen allele CA10106106.
Genomic context (GRCh38, chr22:20,036,816, plus strand): 5'-GCAGACCTCGCGACCTGTGTCAGCAGAGCCGCCCTGCACCACCATGTGCATCATCTTCTT[T>C]AAGTTTGATCCTCGCCCTGTTTCCAAAAACGCGTACAGGTAACCCCCTCGCTCTGCATCT-3'
Protein context (NP_690870.3, residues 1-16): MCIIF[Phe6=]KFDPRPVSKN